The following is an entry in ClinVar:

NC_000009.11:g.(?_140657107)_(140685442_?)dup

Genes: EHMT1 (euchromatic histone lysine methyltransferase 1; plus strand), LOC126860799 (CDK7 strongly-dependent group 2 enhancer GRCh37_chr9:140657628-140658827; plus strand), LOC130003148 (ATAC-STARR-seq lymphoblastoid active region 29369; plus strand), LOC651337 (uncharacterized LOC651337; minus strand). Cytogenetic location: 9q34.3.
Variant type: Duplication.
Identifiers: ClinVar variation 583643 (VCV000583643.10).

ClinVar aggregate classification (germline): Likely pathogenic (1 of 4 stars; one submission).

Conditions:
Kleefstra syndrome 1 (KLEFS1). Identifiers: Orphanet 261494, MedGen C0795833, MONDO:0027407, OMIM 610253.

Submission:

Labcorp Genetics (formerly Invitae), Labcorp
Classification: Likely pathogenic for Kleefstra syndrome 1. Last evaluated: 2022-01-20. Review status: criteria provided, single submitter. Criteria: Invitae Variant Classification Sherloc (09022015). Collection method: clinical testing. Allele origin: germline.
Comment: In summary, the currently available evidence indicates that the variant is pathogenic, but additional data are needed to prove that conclusively. Therefore, this variant has been classified as Likely Pathogenic. This variant has not been reported in the literature in individuals affected with EHMT1-related conditions. This variant results in a copy number gain of the genomic region encompassing exon(s) 10-16 of the EHMT1 gene. While the exact position of this variant cannot be determined from the data, sub-genic copy number gains are generally in tandem (PMID: 25640679). This variant is predicted to be out-of-frame, and may result in an absent or disrupted protein product. Loss-of-function variants in EHMT1 are known to be pathogenic (PMID: 16826528, 19264732).

Literature cited by the submitters: PubMed 25640679; PubMed 16826528; PubMed 19264732.